The following is an entry in ClinVar:

NM_033305.3(VPS13A):c.3866dup (p.Leu1289fs)

Gene: VPS13A (vacuolar protein sorting 13 homolog A; plus strand). Cytogenetic location: 9q21.2.
Variant type: Duplication.
Coding change: c.3866dup on transcript NM_033305.3 (MANE Select); coding-DNA position 3866, one base duplicated (T; older notation c.3866dupT).
Protein change: p.Leu1289fs; shifts the reading frame from leucine 1289.
Molecular consequence: frameshift variant.
Genome position (GRCh38, 1-based): chr9:77,302,968, T duplicated; the last of 2 consecutive T bases (chr9:77,302,967-77,302,968); duplicating either gives the same sequence. VCF-style (leftmost placement, unchanged base first): chr9-77302966-A-AT. GRCh37 (hg19) VCF-style: chr9-79917882-A-AT.
Other names: c.3749dup, p.Leu1250fs (NM_001018037.2); c.3866dup, p.Leu1289fs (NM_001018038.3, NM_015186.4); c.3866dup (NM_033305.2); short protein forms L1289fs, L1250fs.
Identifiers: ClinVar variation 1415055 (VCV001415055.9), dbSNP rs2131394444, ClinGen allele CA2573144728.

ClinVar aggregate classification (germline): Pathogenic/Likely pathogenic. Review status: criteria provided, multiple submitters, no conflicts (2 of 4 stars). 3 submissions from 3 submitters: Pathogenic (2); Likely pathogenic (1). Last evaluated 2025-01-26.

Conditions:
VPS13A-related neurodegenerative disease. Also called: Choreoacanthocytosis; Chorea-acanthocytosis; Choreaacanthocytosis; VPS13A Disease; ACANTHOCYTOSIS WITH NEUROLOGIC DISORDER; LEVINE-CRITCHLEY SYNDROME. Identifiers: Orphanet 2388, MedGen C0393576, MONDO:0008695, OMIM 200150.

Submissions (3):

Natera, Inc.
Classification: Likely pathogenic for Choreaacanthocytosis. Last evaluated: 2025-01-26. Review status: criteria provided, single submitter. Criteria: Natera Variant Classification Schema (03/2026). Collection method: clinical testing. Allele origin: germline.
Comment: The c.3866dup variant in VPS13A is a frameshift variant predicted to shift the reading frame beginning at codon 1289 and leads to a stop codon 4 codons downstream. This variant is expected to result in nonsense mediated decay, truncation, or a dysfunctional protein product. This variant is rare in the general population with a frequency below the threshold expected for the associated phenotype(s). Given the available evidence, this variant is classified as Likely Pathogenic.

Myriad Genetics, Inc.
Classification: Pathogenic for VPS13A-related neurodegenerative disease. Last evaluated: 2023-12-14. Review status: criteria provided, single submitter. Criteria: Myriad Autosomal Dominant, Autosomal Recessive and X-Linked Classification Criteria (2023). Collection method: clinical testing. Allele origin: unknown.
Comment: NM_033305.2(VPS13A):c.3866dupT(L1289Ffs*4) is expected to be pathogenic in the context of VPS13A disease. This variant is predicted to lead to an abnormal or absent protein product due to the creation of a premature termination codon in VPS13A, a gene where loss-of-function variants are known to be pathogenic. Please note: this variant was assessed in the context of healthy population screening.

Labcorp Genetics (formerly Invitae), Labcorp
Classification: Pathogenic. Last evaluated: 2022-03-22. Review status: criteria provided, single submitter. Criteria: Invitae Variant Classification Sherloc (09022015). Collection method: clinical testing. Allele origin: germline.
Comment: For these reasons, this variant has been classified as Pathogenic. This variant has not been reported in the literature in individuals affected with VPS13A-related conditions. This variant is not present in population databases (gnomAD no frequency). This sequence change creates a premature translational stop signal (p.Leu1289Phefs*4) in the VPS13A gene. It is expected to result in an absent or disrupted protein product. Loss-of-function variants in VPS13A are known to be pathogenic (PMID: 12404112, 21598378).

Literature cited by the submitters: PubMed 12404112 (cited by Labcorp Genetics (formerly Invitae), Labcorp); PubMed 21598378 (cited by Labcorp Genetics (formerly Invitae), Labcorp).